The following is an entry in ClinVar:

NM_000326.5(RLBP1):c.605A>G (p.Glu202Gly)

Gene: RLBP1 (retinaldehyde binding protein 1; minus strand). Cytogenetic location: 15q26.1.
Variant type: single nucleotide variant.
Coding change: c.605A>G on transcript NM_000326.5 (MANE Select); coding-DNA position 605, A replaced by G.
Protein change: p.Glu202Gly; replaces glutamic acid 202 with glycine.
Molecular consequence: missense variant.
Genome position (GRCh38, 1-based): chr15:89,211,822, T>C on the plus strand (A>G on the coding strand, the complement: RLBP1 is on the minus strand). VCF-style: chr15-89211822-T-C. GRCh37 (hg19) VCF-style: chr15-89755053-T-C.
Other names: short protein forms E202G.
Identifiers: ClinVar variation 1038664 (VCV001038664.10), dbSNP rs1237226502, ClinGen allele CA393729139.

ClinVar aggregate classification (germline): Uncertain significance (1 of 4 stars; one submission).

Submission:

Labcorp Genetics (formerly Invitae), Labcorp
Classification: Uncertain significance. Last evaluated: 2022-04-13. Review status: criteria provided, single submitter. Criteria: Invitae Variant Classification Sherloc (09022015). Collection method: clinical testing. Allele origin: germline.
Comment: In summary, the available evidence is currently insufficient to determine the role of this variant in disease. Therefore, it has been classified as a Variant of Uncertain Significance. Algorithms developed to predict the effect of missense changes on protein structure and function are either unavailable or do not agree on the potential impact of this missense change (SIFT: "Tolerated"; PolyPhen-2: "Probably Damaging"; Align-GVGD: "Class C0"). ClinVar contains an entry for this variant (Variation ID: 1038664). This variant has not been reported in the literature in individuals affected with RLBP1-related conditions. This variant is not present in population databases (gnomAD no frequency). This sequence change replaces glutamic acid, which is acidic and polar, with glycine, which is neutral and non-polar, at codon 202 of the RLBP1 protein (p.Glu202Gly).